The following is an entry in ClinVar:

NM_006005.3(WFS1):c.81C>G (p.Leu27=)

Gene: WFS1 (wolframin ER transmembrane glycoprotein; plus strand). Cytogenetic location: 4p16.1.
Variant type: single nucleotide variant.
Coding change: c.81C>G on transcript NM_006005.3 (MANE Select); coding-DNA position 81, C replaced by G.
Protein change: p.Leu27=; no amino-acid change (leucine 27 retained).
Molecular consequence: synonymous variant.
Genome position (GRCh38, 1-based): chr4:6,277,536, C>G. VCF-style: chr4-6277536-C-G. GRCh37 (hg19) VCF-style: chr4-6279263-C-G.
Other names: c.81C>G, p.Leu27= (NM_001145853.1).
Identifiers: ClinVar variation 1810330 (VCV001810330.1), dbSNP rs777168956, ClinGen allele CA91787290.

ClinVar aggregate classification (germline): Benign (1 of 4 stars; one submission).

Conditions:
Wolfram syndrome 1 (WFS1). Identifiers: Orphanet 3463, MedGen C4551693, MONDO:0009101, OMIM 222300.

Allele frequency attached by ClinVar (database versions not stated): gnomAD 0.00001; TOPMed 0.00001.
gnomAD v4.1: 1 of 1,588,914 alleles (0.000063%); highest among the groups gnomAD compares: African/African-American, 0.0013%; no homozygotes.

Submission:

Clinical Genomics, Uppaluri K&H Personalized Medicine Clinic
Classification: Benign for Wolfram syndrome 1. Review status: criteria provided, single submitter. Criteria: K & H Uppaluri Personalized Medicine Clinic Variant Classification & Assertion Criteria_Updated V.1. Collection method: research. Allele origin: unknown. Inheritance: Autosomal recessive inheritance.
Comment: Potent mutations in WFS1 gene are associated with Wolfram's syndrome, an autosomal recessive condition, which cause diabetes mellitus, diabetes insipidus, deafness and optic atrophy. However no sufficient evidence is found to ascertain the role of this particular variant rs777168956 in Wolfram's syndrome yet.

Literature cited by the submitters: PubMed 20738327; PubMed 33879153; PubMed 12955714; PubMed 18060660; PubMed 20301750; PubMed 17603484.